The following is an entry in ClinVar:

NM_015559.3(SETBP1):c.4505A>C (p.Gln1502Pro)

Gene: SETBP1 (SET binding protein 1; plus strand). Cytogenetic location: 18q12.3.
Variant type: single nucleotide variant.
Coding change: c.4505A>C on transcript NM_015559.3 (MANE Select); coding-DNA position 4505, A replaced by C.
Protein change: p.Gln1502Pro; replaces glutamine 1502 with proline.
Molecular consequence: missense variant.
Genome position (GRCh38, 1-based): chr18:45,063,412, A>C. VCF-style: chr18-45063412-A-C. GRCh37 (hg19) VCF-style: chr18-42643377-A-C.
Other names: c.4505A>C, p.Gln1502Pro (NM_001379141.1, NM_001379142.1); c.4334A>C, p.Gln1445Pro (NM_001410862.1); short protein forms Q1502P, Q1445P.
Identifiers: ClinVar variation 4995979 (VCV004995979.1).
Genomic context (GRCh38, chr18:45,063,412, plus strand): 5'-CCAGCAAAAGAGGCCAGAAGCCCAGCCTGAGCCCGCTGGTGCTGGAGCCCGCCGCCAGCC[A>C]AGACACCATCATGGCCACCATCGAGGCGGTCATCCACATGGCCCGGGAGGCGCCGCCCCT-3'
Protein context (NP_056374.2, residues 1492-1512): SPLVLEPAAS[Gln1502Pro]DTIMATIEAV

ClinVar aggregate classification (germline): Uncertain significance (1 of 4 stars; one submission).

Conditions:
SETBP1-related disorder. Also called: SETBP1-related condition; SETBP1-related disorders.

gnomAD v4.1: 1 of 1,531,744 alleles (0.000065%); highest among the groups gnomAD compares: East Asian, 0.0024%; no homozygotes.

Submission:

PreventionGenetics, part of Exact Sciences
Classification: Uncertain significance for SETBP1-related condition. Last evaluated: 2026-07-12. Review status: criteria provided, single submitter. Criteria: ACMG Guidelines, 2015. Collection method: clinical testing. Allele origin: germline.
Comment: The SETBP1 c.4505A>C variant is predicted to result in the amino acid substitution p.Gln1502Pro. To our knowledge, this variant has not been reported in the literature or in a large population database (gnomAD), indicating this variant is rare. At this time, the clinical significance of this variant is uncertain due to the absence of conclusive functional and genetic evidence.